The following is an entry in ClinVar:

ClinVar aggregate classification (germline): Likely benign (1 of 4 stars; one submission).

Submission:

CeGaT Center for Human Genetics Tuebingen
Classification: Likely benign. Last evaluated: 2022-11-01. Review status: criteria provided, single submitter. Criteria: CeGaT Center For Human Genetics Tuebingen Variant Classification Criteria Version 2. Collection method: clinical testing. Allele origin: germline. Affected: yes. Observed: 3 variant alleles.
Comment: SPAST: BS1

NM_014946.4(SPAST):c.*372TTGT[2]

Gene: SPAST (spastin; plus strand). Cytogenetic location: 2p22.3.
Variant type: Microsatellite.
Coding change: c.*372TTGT[2] on transcript NM_014946.4 (MANE Select); two copies in a row of the 4-base unit TTGT starting at c.*372; the reference has three copies in a row; one copy, 4 bases deleted.
Molecular consequence: 3 prime UTR variant.
Genome position (GRCh38, 1-based): chr2:32,154,876-32,154,879, TTGT deleted; deleting any 4 consecutive bases within chr2:32,154,867-32,154,879 gives the same sequence; the position shown is the placement nearest the transcript's 3' end. VCF-style (leftmost placement, unchanged base first): chr2-32154866-ATTTG-A. GRCh37 (hg19) VCF-style: chr2-32379935-ATTTG-A.
Other names: c.*372TTGT[2] (NM_001363823.2, NM_001363875.2, NM_199436.2); c.*496TTGT[2] (NM_001377959.1).
Identifiers: ClinVar variation 335843 (VCV000335843.29), dbSNP rs756347073, ClinGen allele CA10613708.